The following is an entry in ClinVar:

NM_138694.4(PKHD1):c.7651_7652dup (p.Leu2551fs)

Gene: PKHD1 (PKHD1 ciliary IPT domain containing fibrocystin/polyductin; minus strand). Cytogenetic location: 6p12.2.
Variant type: Duplication.
Coding change: c.7651_7652dup on transcript NM_138694.4 (MANE Select); coding-DNA positions 7651 to 7652, 2 bases duplicated (TT; older notation c.7651_7652dupTT).
Protein change: p.Leu2551fs; shifts the reading frame from leucine 2551.
Molecular consequence: frameshift variant.
Genome position (GRCh38, 1-based): chr6:51,867,944-51,867,945, AA duplicated on the plus strand (TT on the coding strand, the reverse complement: PKHD1 is on the minus strand); duplicating any 2 consecutive bases within chr6:51,867,944-51,867,946 gives the same sequence; the c. name uses the placement nearest the transcript's 3' end. VCF-style (leftmost placement, unchanged base first): chr6-51867943-C-CAA. GRCh37 (hg19) VCF-style: chr6-51732741-C-CAA.
Other names: c.7651_7652dup, p.Leu2551fs (NM_170724.3); short protein forms L2551fs.
Identifiers: ClinVar variation 1989549 (VCV001989549.4), dbSNP rs1775349014, ClinGen allele CA1628582999.
Genomic context (GRCh38, chr6:51,867,943, plus strand): 5'-AAAAAGAACACCTCCTCCACAGGCACTGCCATGGACAACCCGACCAAAGCTTGAATTGAC[C>CAA]AAACAAGAAGCTGAAAGGGTTTCCATAGAAGCAAGAATGTGACTTCTGTTTTTCCCAGAC-3'

ClinVar aggregate classification (germline): Pathogenic (1 of 4 stars; one submission).

Conditions:
Autosomal recessive polycystic kidney disease (ARPKD). Also called: AR polycystic kidney disease. Identifiers: Orphanet 731, Orphanet 8378, MedGen C0085548, MeSH D017044, MONDO:0009889.

Submission:

Labcorp Genetics (formerly Invitae), Labcorp
Classification: Pathogenic for Autosomal recessive polycystic kidney disease. Last evaluated: 2022-09-06. Review status: criteria provided, single submitter. Criteria: Invitae Variant Classification Sherloc (09022015). Collection method: clinical testing. Allele origin: germline.
Comment: For these reasons, this variant has been classified as Pathogenic. This variant has not been reported in the literature in individuals affected with PKHD1-related conditions. This variant is not present in population databases (gnomAD no frequency). This sequence change creates a premature translational stop signal (p.Leu2551Phefs*29) in the PKHD1 gene. It is expected to result in an absent or disrupted protein product. Loss-of-function variants in PKHD1 are known to be pathogenic (PMID: 19940839).

Literature cited by the submitters: PubMed 19940839.